The following is an entry in ClinVar:

NM_017934.7(PHIP):c.340+5G>C

Gene: PHIP (PHIP subunit of CUL4-Ring ligase complex; minus strand). Cytogenetic location: 6q14.1.
Variant type: single nucleotide variant.
Coding change: c.340+5G>C on transcript NM_017934.7 (MANE Select); 5 bases into the intron after coding-DNA position 340, G replaced by C.
Molecular consequence: intron variant.
Genome position (GRCh38, 1-based): chr6:79,060,663, C>G on the plus strand (G>C on the coding strand, the complement: PHIP is on the minus strand). VCF-style: chr6-79060663-C-G. GRCh37 (hg19) VCF-style: chr6-79770380-C-G.
Identifiers: ClinVar variation 3390300 (VCV003390300.14).

ClinVar aggregate classification (germline): Uncertain significance (1 of 4 stars; one submission).

gnomAD v4.1: 1 of 1,609,818 alleles (0.000062%); highest among the groups gnomAD compares: Non-Finnish European, 0.000085%; no homozygotes.

Submission:

CeGaT Center for Human Genetics Tuebingen
Classification: Uncertain significance. Last evaluated: 2025-05-01. Review status: criteria provided, single submitter. Criteria: CeGaT Center For Human Genetics Tuebingen Variant Classification Criteria Version 2. Collection method: clinical testing. Allele origin: germline. Affected: yes. Observed: 3 variant alleles.
Comment: PHIP: PM2, BP4